The following is an entry in ClinVar:

NM_004304.5(ALK):c.388G>A (p.Gly130Ser)

Gene: ALK (ALK receptor tyrosine kinase; minus strand). Cytogenetic location: 2p23.1.
Variant type: single nucleotide variant.
Coding change: c.388G>A on transcript NM_004304.5 (MANE Select); coding-DNA position 388, G replaced by A.
Protein change: p.Gly130Ser; replaces glycine 130 with serine.
Molecular consequence: missense variant.
Genome position (GRCh38, 1-based): chr2:29,920,272, C>T on the plus strand (G>A on the coding strand, the complement: ALK is on the minus strand). VCF-style: chr2-29920272-C-T. GRCh37 (hg19) VCF-style: chr2-30143138-C-T.
Other names: c.388G>A (NM_004304.4); short protein forms G130S.
Identifiers: ClinVar variation 3658524 (VCV003658524.3).

ClinVar aggregate classification (germline): Uncertain significance. Review status: criteria provided, multiple submitters, no conflicts (2 of 4 stars). 2 submissions from 2 submitters: Uncertain significance (2). Last evaluated 2026-02-15.

Conditions:
Hereditary cancer-predisposing syndrome. Also called: Hereditary Cancer Syndrome; Neoplastic Syndromes, Hereditary; Tumor predisposition; Hereditary neoplastic syndrome. Identifiers: Orphanet 140162, MedGen C0027672, MeSH D009386, MONDO:0015356.
Neuroblastoma, susceptibility to, 3. Also called: ALK-Related Neuroblastic Tumor Susceptibility. Identifiers: Orphanet 635, MedGen C2751681, MONDO:0013083, OMIM 613014.

gnomAD v4.1: 1 of 1,592,448 alleles (0.000063%); highest among the groups gnomAD compares: Non-Finnish European, 0.000085%; no homozygotes.

Submissions (2):

Ambry Genetics
Classification: Uncertain significance for Hereditary cancer-predisposing syndrome. Last evaluated: 2026-02-15. Review status: criteria provided, single submitter. Criteria: Ambry Variant Classification Scheme 2023. Collection method: clinical testing. Allele origin: germline.
Comment: The p.G130S variant (also known as c.388G>A), located in coding exon 1 of the ALK gene, results from a G to A substitution at nucleotide position 388. The glycine at codon 130 is replaced by serine, an amino acid with similar properties. This amino acid position is conserved. In addition, the in silico prediction for this alteration is inconclusive. Based on the available evidence, the clinical significance of this variant remains unclear.

Labcorp Genetics (formerly Invitae), Labcorp
Classification: Uncertain significance for Neuroblastoma, susceptibility to, 3. Last evaluated: 2025-12-08. Review status: criteria provided, single submitter. Criteria: Invitae Variant Classification Sherloc (09022015). Collection method: clinical testing. Allele origin: germline.
Comment: This sequence change replaces glycine, which is neutral and non-polar, with serine, which is neutral and polar, at codon 130 of the ALK protein (p.Gly130Ser). This variant is not present in population databases (gnomAD no frequency). This variant has not been reported in the literature in individuals affected with ALK-related conditions. ClinVar contains an entry for this variant (Variation ID: 3658524). An algorithm developed to predict the effect of missense changes on protein structure and function (PolyPhen-2) suggests that this variant is likely to be disruptive. In summary, the available evidence is currently insufficient to determine the role of this variant in disease. Therefore, it has been classified as a Variant of Uncertain Significance.